The following is an entry in ClinVar:

ClinVar aggregate classification (germline): Likely pathogenic (1 of 4 stars; one submission).

Conditions:
Dilated cardiomyopathy 1G (CMD1G). Identifiers: Orphanet 154, MedGen C1858763, MONDO:0011400, OMIM 604145.
Autosomal recessive limb-girdle muscular dystrophy type 2J (LGMDR10). Also called: Limb-girdle muscular dystrophy, type 2J; MUSCULAR DYSTROPHY, LIMB-GIRDLE, AUTOSOMAL RECESSIVE 10. Identifiers: Orphanet 140922, MedGen C1837342, MONDO:0012127, OMIM 608807.

Submission:

Labcorp Genetics (formerly Invitae), Labcorp
Classification: Likely pathogenic for Dilated cardiomyopathy 1G; Autosomal recessive limb-girdle muscular dystrophy type 2J. Last evaluated: 2022-02-21. Review status: criteria provided, single submitter. Criteria: Invitae Variant Classification Sherloc (09022015). Collection method: clinical testing. Allele origin: germline.
Comment: This variant is not present in population databases (gnomAD no frequency). In summary, the currently available evidence indicates that the variant is pathogenic, but additional data are needed to prove that conclusively. Therefore, this variant has been classified as Likely Pathogenic. This variant is located in the A band of TTN (PMID: 25589632). Truncating variants in this region are significantly overrepresented in patients affected with dilated cardiomyopathy (PMID: 25589632). Truncating variants in this region have also been reported in individuals affected with autosomal recessive centronuclear myopathy (PMID: 23975875). This premature translational stop signal has been observed in individual(s) with dilated cardiomyopathy (Invitae). This sequence change creates a premature translational stop signal (p.Asn29507Lysfs*5) in the TTN gene. While this is not anticipated to result in nonsense mediated decay, it is expected to create a truncated TTN protein.

Literature cited by the submitters: PubMed 25589632; PubMed 23975875.

NM_001267550.2(TTN):c.88521_88522del (p.Asn29507fs)

Genes: TTN-AS1 (TTN antisense RNA 1; plus strand), TTN (titin; minus strand). Cytogenetic location: 2q31.2.
Variant type: Deletion.
Coding change: c.88521_88522del on transcript NM_001267550.2 (MANE Select); coding-DNA positions 88521 to 88522, 2 bases deleted (TA; older notation c.88521_88522delTA).
Protein change: p.Asn29507fs; shifts the reading frame from asparagine 29507.
Molecular consequence: frameshift variant.
Genome position (GRCh38, 1-based): chr2:178,554,937-178,554,938, TA deleted on the plus strand (TA on the coding strand, the reverse complement: TTN is on the minus strand); deleting any 2 consecutive bases within chr2:178,554,937-178,554,939 gives the same sequence; the c. name uses the placement nearest the transcript's 3' end. VCF-style (leftmost placement, unchanged base first): chr2-178554936-CTA-C. GRCh37 (hg19) VCF-style: chr2-179419663-CTA-C.
Other names: c.83598_83599del, p.Asn27866fs (NM_001256850.1); c.61326_61327del, p.Asn20442fs (NM_003319.4); c.80817_80818del, p.Asn26939fs (NM_133378.4); c.61701_61702del, p.Asn20567fs (NM_133432.3); c.61902_61903del, p.Asn20634fs (NM_133437.4); short protein forms N20634fs, N20442fs, N27866fs, N29507fs, N20567fs, N26939fs.
Identifiers: ClinVar variation 2100901 (VCV002100901.4), dbSNP rs2469404531, ClinGen allele CA2580064680.